The following is an entry in ClinVar:

ClinVar aggregate classification (germline): Uncertain significance (1 of 4 stars; one submission).

Conditions:
Anophthalmia/microphthalmia-esophageal atresia syndrome (MCOPS3). Also called: AEG SYNDROME; SOX2 Disorder; MICROPHTHALMIA AND ESOPHAGEAL ATRESIA SYNDROME. Identifiers: Orphanet 77298, MedGen C1859773, MONDO:0008799, OMIM 206900.

Submission:

Labcorp Genetics (formerly Invitae), Labcorp
Classification: Uncertain significance for Anophthalmia/microphthalmia-esophageal atresia syndrome. Last evaluated: 2025-10-09. Review status: criteria provided, single submitter. Criteria: Invitae Variant Classification Sherloc (09022015). Collection method: clinical testing. Allele origin: germline.
Comment: This sequence change affects codon 12 of the SOX2 mRNA. It is a 'silent' change, meaning that it does not change the encoded amino acid sequence of the SOX2 protein. This variant is present in population databases (rs775583460, gnomAD 0.02%). This variant has not been reported in the literature in individuals affected with SOX2-related conditions. ClinVar contains an entry for this variant (Variation ID: 3705509). Experimental studies and prediction algorithms are not available or were not evaluated, and the effect of this variant on mRNA splicing is currently unknown. In summary, the available evidence is currently insufficient to determine the role of this variant in disease. Therefore, it has been classified as a Variant of Uncertain Significance.

NM_003106.4(SOX2):c.36G>C (p.Pro12=)

Genes: SOX2-OT (SOX2 overlapping transcript; plus strand), SOX2 (SRY-box transcription factor 2; plus strand), LOC108281177 (SOX2 5' regulatory region; plus strand). Cytogenetic location: 3q26.33.
Variant type: single nucleotide variant.
Coding change: c.36G>C on transcript NM_003106.4 (MANE Select); coding-DNA position 36, G replaced by C.
Protein change: p.Pro12=; no amino-acid change (proline 12 retained).
Molecular consequence: synonymous variant.
Genome position (GRCh38, 1-based): chr3:181,712,396, G>C. VCF-style: chr3-181712396-G-C. GRCh37 (hg19) VCF-style: chr3-181430184-G-C.
Identifiers: ClinVar variation 3705509 (VCV003705509.2).